The following is an entry in ClinVar:

ClinVar aggregate classification (germline): Benign. Review status: criteria provided, multiple submitters, no conflicts (2 of 4 stars). 11 submissions from 11 submitters: Benign (8). 3 of the submissions do not count toward it. Last evaluated 2026-02-04.

Conditions:
Cardiofaciocutaneous syndrome 4 (CFC4). Also called: MAP2K2-Related Cardiofaciocutaneous Syndrome. Identifiers: Orphanet 1340, MedGen C3809007, MONDO:0014114, OMIM 615280.
RASopathy. Also called: rasopathies; Noonan spectrum disorder. Identifiers: Orphanet 536391, MedGen C5555857, MONDO:0021060.

Allele frequency attached by ClinVar (database versions not stated): gnomAD 0.74770 and 0.74641; TOPMed 0.74976; 1000 Genomes Project 30x 0.77014; ExAC 0.77176; 1000 Genomes Project 0.77356; ESP Exome Variant Server 0.74413.
gnomAD v4.1: 1,163,033 of 1,590,206 alleles (73%); highest among the groups gnomAD compares: East Asian, 94%; 427,013 homozygotes.

Submissions (11):

Labcorp Genetics (formerly Invitae), Labcorp
Classification: Benign for RASopathy. Last evaluated: 2026-02-04. Review status: criteria provided, single submitter. Criteria: Invitae Variant Classification Sherloc (09022015). Collection method: clinical testing. Allele origin: germline.

Blueprint Genetics
Classification: Benign. Last evaluated: 2024-11-28. Review status: criteria provided, single submitter. Criteria: ACMG Guidelines, 2015. Collection method: clinical testing. Allele origin: germline.

Genome-Nilou Lab
Classification: Benign for Cardiofaciocutaneous syndrome 4. Last evaluated: 2021-09-05. Review status: criteria provided, single submitter. Criteria: ACMG Guidelines, 2015. Collection method: clinical testing. Allele origin: germline. Affected: no.

Women's Health and Genetics/Laboratory Corporation of America, LabCorp
Classification: Benign. Last evaluated: 2019-08-12. Review status: criteria provided, single submitter. Criteria: LabCorp Variant Classification Summary - May 2015. Collection method: clinical testing. Allele origin: germline.
Comment: Variant summary: MAP2K2 c.919+12A>G alters a non-conserved nucleotide located close to a canonical splice site and therefore could affect mRNA splicing, leading to a significantly altered protein sequence. 5/5 computational tools predict no significant impact on normal splicing. However, these predictions have yet to be confirmed by functional studies. The variant allele was found at a frequency of 0.75 in 208772 control chromosomes, suggesting that it is the major allele and therefore benign. A ClinVar submission (evaluation after 2014) cites the variant as benign. Based on the evidence outlined above, the variant was classified as benign.

Eurofins Ntd Llc (ga)
Classification: Benign. Last evaluated: 2015-11-20. Review status: criteria provided, single submitter. Criteria: EGL Classification Definitions 2015. Collection method: clinical testing. Allele origin: germline. Observed: 1 variant allele, 1 homozygote.

Laboratory for Molecular Medicine, Mass General Brigham Personalized Medicine
Classification: Benign. Last evaluated: 2012-05-09. Review status: criteria provided, single submitter. Criteria: LMM Criteria. Collection method: clinical testing. Allele origin: germline. Observed: 1,394 variant alleles.

Breakthrough Genomics
Classification: Benign. Review status: criteria provided, single submitter. Criteria: ACMG Guidelines, 2015. Collection method: not provided. Allele origin: germline. Inheritance: Autosomal dominant inheritance. Affected: yes.

PreventionGenetics, part of Exact Sciences
Classification: Benign. Review status: criteria provided, single submitter. Criteria: ACMG Guidelines, 2015. Collection method: clinical testing. Allele origin: germline.

Clinical Genetics, Academic Medical Center
Classification: Benign. Review status: no assertion criteria provided. Collection method: clinical testing. Allele origin: germline. Affected: yes. Study: VKGL Data-share Consensus. Not counted in ClinVar's aggregate classification.

Diagnostic Laboratory, Department of Genetics, University Medical Center Groningen
Classification: Benign for Cardiofaciocutaneous syndrome 4. Review status: no assertion criteria provided. Collection method: clinical testing. Allele origin: germline. Affected: yes. Study: VKGL Data-share Consensus. Not counted in ClinVar's aggregate classification.

Joint Genome Diagnostic Labs from Nijmegen and Maastricht, Radboudumc and MUMC+
Classification: Benign. Review status: no assertion criteria provided. Collection method: clinical testing. Allele origin: germline. Affected: yes. Study: VKGL Data-share Consensus. Not counted in ClinVar's aggregate classification.

NM_030662.4(MAP2K2):c.919+12A>G

Gene: MAP2K2 (mitogen-activated protein kinase kinase 2; minus strand). Cytogenetic location: 19p13.3.
Variant type: single nucleotide variant.
Coding change: c.919+12A>G on transcript NM_030662.4 (MANE Select); 12 bases into the intron after coding-DNA position 919, A replaced by G.
Molecular consequence: intron variant.
Genome position (GRCh38, 1-based): chr19:4,099,189, T>C on the plus strand (A>G on the coding strand, the complement: MAP2K2 is on the minus strand). VCF-style: chr19-4099189-T-C. GRCh37 (hg19) VCF-style: chr19-4099187-T-C.
Identifiers: ClinVar variation 40835 (VCV000040835.25), dbSNP rs350911, ClinGen allele CA137978.